The following is an entry in ClinVar:

ClinVar aggregate classification (germline): Uncertain significance (1 of 4 stars; one submission).

gnomAD v4.1: 5 of 1,614,150 alleles (0.00031%); highest among the groups gnomAD compares: Middle Eastern, 0.033%; no homozygotes.

Submission:

Labcorp Genetics (formerly Invitae), Labcorp
Classification: Uncertain significance. Last evaluated: 2024-02-24. Review status: criteria provided, single submitter. Criteria: Invitae Variant Classification Sherloc (09022015). Collection method: clinical testing. Allele origin: germline.
Comment: This sequence change replaces valine, which is neutral and non-polar, with leucine, which is neutral and non-polar, at codon 605 of the TRPM1 protein (p.Val605Leu). This variant is present in population databases (no rsID available, gnomAD 0.0009%). This variant has not been reported in the literature in individuals affected with TRPM1-related conditions. ClinVar contains an entry for this variant (Variation ID: 1429322). Advanced modeling of protein sequence and biophysical properties (such as structural, functional, and spatial information, amino acid conservation, physicochemical variation, residue mobility, and thermodynamic stability) performed at Invitae indicates that this missense variant is not expected to disrupt TRPM1 protein function with a negative predictive value of 95%. In summary, the available evidence is currently insufficient to determine the role of this variant in disease. Therefore, it has been classified as a Variant of Uncertain Significance.

NM_001252024.2(TRPM1):c.1879G>C (p.Val627Leu)

Gene: TRPM1 (transient receptor potential cation channel subfamily M member 1; minus strand). Cytogenetic location: 15q13.3.
Variant type: single nucleotide variant.
Coding change: c.1879G>C on transcript NM_001252024.2 (MANE Select); coding-DNA position 1879, G replaced by C.
Protein change: p.Val627Leu; replaces valine 627 with leucine.
Molecular consequence: missense variant.
Genome position (GRCh38, 1-based): chr15:31,042,159, C>G on the plus strand (G>C on the coding strand, the complement: TRPM1 is on the minus strand). VCF-style: chr15-31042159-C-G. GRCh37 (hg19) VCF-style: chr15-31334362-C-G.
Other names: c.1930G>C, p.Val644Leu (NM_001252020.2); c.1813G>C, p.Val605Leu (NM_002420.6); short protein forms V627L, V605L, V644L.
Identifiers: ClinVar variation 1429322 (VCV001429322.8), dbSNP rs17815774, ClinGen allele CA391512533.
Genomic context (GRCh38, chr15:31,042,159, plus strand): 5'-GGCGTTTCATCAGCACTGCCCACACCATCAGCTCGTGGAAGGGATACTGGAACCGACTCA[C>G]GGCAGGGTCGTCCACATCAATGTCGATCTCTTCCTCCTTTTTCTTCTTTTTCTTTTTCTT-3'
Protein context (NP_001238953.1, residues 617-637): EIDIDVDDPA[Val627Leu]SRFQYPFHEL